The following is an entry in ClinVar:

NM_001211.6(BUB1B):c.1232C>T (p.Ser411Phe)

Gene: BUB1B (BUB1 mitotic checkpoint serine/threonine kinase B; plus strand). Cytogenetic location: 15q15.1.
Variant type: single nucleotide variant.
Coding change: c.1232C>T on transcript NM_001211.6 (MANE Select); coding-DNA position 1232, C replaced by T.
Protein change: p.Ser411Phe; replaces serine 411 with phenylalanine.
Molecular consequence: missense variant.
Genome position (GRCh38, 1-based): chr15:40,196,718, C>T. VCF-style: chr15-40196718-C-T. GRCh37 (hg19) VCF-style: chr15-40488919-C-T.
Other names: short protein forms S411F.
Identifiers: ClinVar variation 3221338 (VCV003221338.2), dbSNP rs587778149, ClinGen allele CA268791165.

ClinVar aggregate classification (germline): Uncertain significance. Review status: criteria provided, multiple submitters, no conflicts (2 of 4 stars). 2 submissions from 2 submitters: Uncertain significance (2). Last evaluated 2025-03-11.

Conditions:
Mosaic variegated aneuploidy syndrome 1 (MVA1). Also called: Warburton-Anyane-Yeboa syndrome. Identifiers: Orphanet 1052, MedGen C1850343, MONDO:0009759, OMIM 257300.
Inborn genetic diseases. Identifiers: MedGen C0950123, MeSH D030342.

Allele frequency attached by ClinVar (database versions not stated): gnomAD exomes below 0.00001.
gnomAD v4.1: 3 of 1,613,952 alleles (0.00019%); highest among the groups gnomAD compares: Non-Finnish European, 0.00025%; no homozygotes.

Submissions (2):

Labcorp Genetics (formerly Invitae), Labcorp
Classification: Uncertain significance for Mosaic variegated aneuploidy syndrome 1. Last evaluated: 2025-03-11. Review status: criteria provided, single submitter. Criteria: Invitae Variant Classification Sherloc (09022015). Collection method: clinical testing. Allele origin: germline.
Comment: This sequence change replaces serine, which is neutral and polar, with phenylalanine, which is neutral and non-polar, at codon 411 of the BUB1B protein (p.Ser411Phe). This variant is not present in population databases (gnomAD no frequency). This variant has not been reported in the literature in individuals affected with BUB1B-related conditions. ClinVar contains an entry for this variant (Variation ID: 3221338). An algorithm developed to predict the effect of missense changes on protein structure and function (PolyPhen-2) suggests that this variant is likely to be disruptive. In summary, the available evidence is currently insufficient to determine the role of this variant in disease. Therefore, it has been classified as a Variant of Uncertain Significance.

Ambry Genetics
Classification: Uncertain significance for Inborn genetic diseases. Last evaluated: 2023-10-13. Review status: criteria provided, single submitter. Criteria: Ambry Variant Classification Scheme 2023. Collection method: clinical testing. Allele origin: germline.
Comment: The p.S411F variant (also known as c.1232C>T), located in coding exon 9 of the BUB1B gene, results from a C to T substitution at nucleotide position 1232. The serine at codon 411 is replaced by phenylalanine, an amino acid with highly dissimilar properties. This amino acid position is conserved. In addition, the in silico prediction for this alteration is inconclusive. Since supporting evidence is limited at this time, the clinical significance of this alteration remains unclear.